The following is an entry in ClinVar:

NM_024422.6(DSC2):c.69+29G>A

Genes: DSC2 (desmocollin 2; minus strand), DSCAS (DSC1/DSC2 antisense RNA; plus strand). Cytogenetic location: 18q12.1.
Variant type: single nucleotide variant.
Coding change: c.69+29G>A on transcript NM_024422.6 (MANE Select); 29 bases into the intron after coding-DNA position 69, G replaced by A.
Molecular consequence: intron variant.
Genome position (GRCh38, 1-based): chr18:31,101,874, C>T on the plus strand (G>A on the coding strand, the complement: DSC2 is on the minus strand). VCF-style: chr18-31101874-C-T. GRCh37 (hg19) VCF-style: chr18-28681837-C-T.
Other names: c.69+29G>A (NM_004949.5).
Identifiers: ClinVar variation 674219 (VCV000674219.2), dbSNP rs550092576, ClinGen allele CA039403.
Genomic context (GRCh38, chr18:31,101,874, plus strand): 5'-CACCCCCACCTATCCCCGTTCCCCTAGTTTTCCTCTGCACCCTAGGCGATCGCCCCCTTC[C>T]CCGGAGCGGTGGCCGCGGCTACACTCACCGCGAGGGTCAGCAGGAGCAGCCGGCAGAGGG-3'

ClinVar aggregate classification (germline): Benign. Review status: criteria provided, multiple submitters, no conflicts (2 of 4 stars). 2 submissions from 2 submitters: Benign (2). Last evaluated 2018-06-14.

Allele frequency attached by ClinVar (database versions not stated): gnomAD exomes 0.00180 and 0.00324; ExAC 0.00263; 1000 Genomes Project 0.01897; gnomAD 0.01943 and 0.02107; 1000 Genomes Project 30x 0.01968; TOPMed 0.02296.

Submissions (2):

GeneDx
Classification: Benign. Last evaluated: 2018-06-14. Review status: criteria provided, single submitter. Criteria: GeneDx Variant Classification (06012015). Collection method: clinical testing. Allele origin: germline. Affected: yes.
Comment: This variant is considered likely benign or benign based on one or more of the following criteria: it is a conservative change, it occurs at a poorly conserved position in the protein, it is predicted to be benign by multiple in silico algorithms, and/or has population frequency not consistent with disease.

Breakthrough Genomics
Classification: Benign. Review status: criteria provided, single submitter. Criteria: ACMG Guidelines, 2015. Collection method: not provided. Allele origin: germline. Inheritance: Autosomal dominant inheritance. Affected: yes.